The following is an entry in ClinVar:

NM_012079.6(DGAT1):c.574+2T>G

Gene: DGAT1 (diacylglycerol O-acyltransferase 1; minus strand). Cytogenetic location: 8q24.3.
Variant type: single nucleotide variant.
Coding change: c.574+2T>G on transcript NM_012079.6 (MANE Select); the canonical splice donor site of the intron after coding-DNA position 574, T replaced by G.
Molecular consequence: splice donor variant.
Genome position (GRCh38, 1-based): chr8:144,318,459, A>C on the plus strand (T>G on the coding strand, the complement: DGAT1 is on the minus strand). VCF-style: chr8-144318459-A-C. GRCh37 (hg19) VCF-style: chr8-145542122-A-C.
Identifiers: ClinVar variation 2745807 (VCV002745807.3), dbSNP rs2488954896, ClinGen allele CA372612312.

ClinVar aggregate classification (germline): Likely pathogenic (1 of 4 stars; one submission).

Submission:

Labcorp Genetics (formerly Invitae), Labcorp
Classification: Likely pathogenic. Last evaluated: 2023-07-22. Review status: criteria provided, single submitter. Criteria: Invitae Variant Classification Sherloc (09022015). Collection method: clinical testing. Allele origin: germline.
Comment: This sequence change affects a donor splice site in intron 6 of the DGAT1 gene. It is expected to disrupt RNA splicing. Variants that disrupt the donor or acceptor splice site typically lead to a loss of protein function (PMID: 16199547), and loss-of-function variants in DGAT1 are known to be pathogenic (PMID: 29604290). This variant is not present in population databases (gnomAD no frequency). This variant has not been reported in the literature in individuals affected with DGAT1-related conditions. Algorithms developed to predict the effect of sequence changes on RNA splicing suggest that this variant may disrupt the consensus splice site. In summary, the currently available evidence indicates that the variant is pathogenic, but additional data are needed to prove that conclusively. Therefore, this variant has been classified as Likely Pathogenic.

Literature cited by the submitters: PubMed 16199547; PubMed 29604290.